The following is an entry in ClinVar:

ClinVar aggregate classification (germline): Uncertain significance (1 of 4 stars; one submission).

Conditions:
Familial cancer of breast. Also called: hereditary breast carcinoma; BREAST CANCER, FAMILIAL; Hereditary breast cancer. Identifiers: Orphanet 227535, MedGen C0346153, MONDO:0016419, OMIM 114480. Disease mechanism: loss of function.
Fanconi anemia complementation group J. Also called: BRIP1-Related Fanconi Anemia. Identifiers: Orphanet 84, MedGen C1836860, MONDO:0012187, OMIM 609054.

Submission:

Labcorp Genetics (formerly Invitae), Labcorp
Classification: Uncertain significance for Familial cancer of breast; Fanconi anemia complementation group J. Last evaluated: 2018-06-18. Review status: criteria provided, single submitter. Criteria: Invitae Variant Classification Sherloc (09022015). Collection method: clinical testing. Allele origin: germline.
Comment: In summary, the available evidence is currently insufficient to determine the role of this variant in disease. Therefore, it has been classified as a Variant of Uncertain Significance. Algorithms developed to predict the effect of missense changes on protein structure and function (SIFT, PolyPhen-2, Align-GVGD) all suggest that this variant is likely to be disruptive, but these predictions have not been confirmed by published functional studies and their clinical significance is uncertain. This variant has not been reported in the literature in individuals with BRIP1-related disease. This variant is not present in population databases (ExAC no frequency). This sequence change replaces alanine with threonine at codon 395 of the BRIP1 protein (p.Ala395Thr). The alanine residue is highly conserved and there is a small physicochemical difference between alanine and threonine.

NM_032043.3(BRIP1):c.1183G>A (p.Ala395Thr)

Gene: BRIP1 (BRCA1 interacting DNA helicase 1; minus strand). Cytogenetic location: 17q23.2.
Variant type: single nucleotide variant.
Coding change: c.1183G>A on transcript NM_032043.3 (MANE Select); coding-DNA position 1183, G replaced by A.
Protein change: p.Ala395Thr; replaces alanine 395 with threonine.
Molecular consequence: missense variant.
Genome position (GRCh38, 1-based): chr17:61,799,257, C>T on the plus strand (G>A on the coding strand, the complement: BRIP1 is on the minus strand). VCF-style: chr17-61799257-C-T. GRCh37 (hg19) VCF-style: chr17-59876618-C-T.
Other names: short protein forms A395T.
Identifiers: ClinVar variation 1011236 (VCV001011236.9), dbSNP rs2077952484, ClinGen allele CA400483742.
Genomic context (GRCh38, chr17:61,799,257, plus strand): 5'-GCTGAACTTCTGTTACACTGTAACTTGCTGATTCCCGAGCACAGTCCTCGATGTTATGAG[C>T]TTCATCTAAAATGACAACCTGTTCTTTCAGATTTAAATCCATCTATAAGATAAAAGAATT-3'
Protein context (NP_114432.2, residues 385-405): LKEQVVILDE[Ala395Thr]HNIEDCARES